The following is an entry in ClinVar:

ClinVar aggregate classification (germline): Pathogenic/Likely pathogenic. Review status: criteria provided, multiple submitters, no conflicts (2 of 4 stars). 8 submissions from 7 submitters: Pathogenic (3); Likely pathogenic (1). 4 of the submissions do not count toward it. Last evaluated 2025-05-05.

Conditions:
Primary hyperoxaluria, type II (HP2). Also called: D-GLYCERATE DEHYDROGENASE DEFICIENCY; GLYCERIC ACIDURIA; GLYOXYLATE REDUCTASE/HYDROXYPYRUVATE REDUCTASE DEFICIENCY; OXALOSIS II; Primary hyperoxaluria type 2. Identifiers: Orphanet 416, Orphanet 93599, MedGen C0268165, MONDO:0009824, OMIM 260000. Disease mechanism: loss of function.

Submissions (8):

Labcorp Genetics (formerly Invitae), Labcorp
Classification: Pathogenic. Last evaluated: 2025-05-05. Review status: criteria provided, single submitter. Criteria: Invitae Variant Classification Sherloc (09022015). Collection method: clinical testing. Allele origin: germline.
Comment: This sequence change falls in intron 4 of the GRHPR gene. It does not directly change the encoded amino acid sequence of the GRHPR protein. RNA analysis indicates that this variant induces altered splicing and may result in an absent or altered protein product. This variant is present in population databases (rs180177309, gnomAD 0.01%). This variant has been observed in individuals with primary hyperoxaluria type 2 (PMID: 11030416, 14635115). This variant is also known as c.403_405+2delAAGT. ClinVar contains an entry for this variant (Variation ID: 204250). Variants that disrupt the consensus splice site are a relatively common cause of aberrant splicing (PMID: 17576681, 9536098). Studies have shown that this variant results in altered splicing, and produces a non-functional protein and/or introduces a premature termination codon (PMID: 14635115). For these reasons, this variant has been classified as Pathogenic.

Natera, Inc.
Classification: Pathogenic for Primary hyperoxaluria type II. Last evaluated: 2025-01-29. Review status: criteria provided, single submitter. Criteria: Natera Variant Classification Schema (03/2026). Collection method: clinical testing. Allele origin: germline.
Comment: The c.404+3_404+6delAAGT variant in GRHPR is a frameshift variant predicted to shift the reading frame and introduce a stop codon. This variant is rare in the general population with a frequency below the threshold expected for the associated phenotype(s). This variant has been observed in one or more individuals affected with the associated recessive disease, as either homozygous or compound heterozygous with a second variant (PMID: 19283374). Given the available evidence, this variant is classified as Pathogenic.

Myriad Genetics, Inc.
Classification: Likely pathogenic for Primary hyperoxaluria, type II. Last evaluated: 2019-12-19. Review status: criteria provided, single submitter. Criteria: Myriad Women's Health Autosomal Recessive and X-Linked Classification Criteria (2019). Collection method: clinical testing. Allele origin: unknown.
Comment: NM_012203.1(GRHPR):c.404+3_404+6delAAGT is classified as likely pathogenic in the context of primary hyperoxaluria type 2. Sources cited for classification include the following: PMID 24116921 and 14635115. Classification of NM_012203.1(GRHPR):c.404+3_404+6delAAGT is based on the following criteria: This variant has been observed more frequently in patients with clinical diagnoses than in healthy populations and the incidence of disease is extremely low. Please note: this variant was assessed in the context of healthy population screening.

Women's Health and Genetics/Laboratory Corporation of America, LabCorp
Classification: Pathogenic for Primary hyperoxaluria, type II. Last evaluated: 2018-08-03. Review status: criteria provided, single submitter. Criteria: LabCorp Variant Classification Summary - May 2015. Collection method: clinical testing. Allele origin: germline.
Comment: Variant summary: GRHPR c.404+3_404+6delAAGT alters a nucleotide located close to a canonical splice site and therefore could affect mRNA splicing, leading to a significantly altered protein sequence. Several computational tools predict a significant impact on normal splicing: Five predict the variant abolishes a 5 splicing donor site. These predictions have been confirmed by experimental evidence that this variant affects mRNA splicing (Cregeen_2003). The variant allele was found at a frequency of 2.8e-05 in 246140 control chromosomes. c.404+3_404+6delAAGT has been reported in the literature in multiple individuals affected with Primary Hyperoxaluria Type 2, and has been reported as a common pathogenic variants in individuals of Asian ancestry (Cregeen_2003, Webster_2000, Williams_2014). One clinical diagnostic laboratory has submitted clinical-significance assessments for this variant to ClinVar after 2014 without evidence for independent evaluation. One laboratory classified the variant as likely pathogenic. Based on the evidence outlined above, the variant was classified as pathogenic.

Chinese Inherited Urolithiasis Consortium, The Affiliated Yantai Yuhuangding Hospital of Qingdao University
Classification: Likely pathogenic for Primary hyperoxaluria, type II. Last evaluated: 2024-08-26. Review status: no assertion criteria provided. Collection method: clinical testing. Allele origin: paternal. Affected: yes. Observed: 1 variant allele. Not counted in ClinVar's aggregate classification.

Clinical Biochemistry Laboratory, Health Services Laboratory
Classification: Pathogenic for Primary hyperoxaluria, type II. Last evaluated: 2014-11-27. Review status: no assertion criteria provided. Collection method: research. Allele origin: germline. Affected: yes. Not counted in ClinVar's aggregate classification.

GeneReviews
No classification provided. Condition: Primary hyperoxaluria, type II. Review status: no classification provided. Collection method: literature only. Allele origin: germline. Not counted in ClinVar's aggregate classification.

Clinical Biochemistry Laboratory, Health Services Laboratory
Classification: Pathogenic for Primary hyperoxaluria, type II. Last evaluated: 2014-11-27. Review status: flagged submission. Collection method: research. Allele origin: germline. Affected: yes. Not counted in ClinVar's aggregate classification.
Comment: Liver mRNA shows incorporation of part of intron 4.
ClinVar note: Reason: This record appears to be redundant with a more recent record from the same submitter.
ClinVar note: Notes: SCV000239804 appears to be redundant with SCV000239814.

Literature cited by the submitters: PubMed 11030416 (cited by Labcorp Genetics (formerly Invitae), Labcorp and Clinical Biochemistry Laboratory, Health Services Laboratory); PubMed 14635115 (cited by 4 submitters); PubMed 17576681 (cited by Labcorp Genetics (formerly Invitae), Labcorp); PubMed 9536098 (cited by Labcorp Genetics (formerly Invitae), Labcorp); PubMed 19283374 (cited by Natera, Inc.); PubMed 24116921 (cited by Myriad Genetics, Inc.); NCBI Bookshelf NBK2692 (cited by GeneReviews).

NM_012203.2(GRHPR):c.404+3_404+6del

Gene: GRHPR (glyoxylate and hydroxypyruvate reductase; plus strand). Cytogenetic location: 9p13.2.
Variant type: Microsatellite.
Coding change: c.404+3_404+6del on transcript NM_012203.2 (MANE Select); bases 3 to 6 of the intron after coding-DNA position 404, 4 bases deleted (AAGT; older notation c.404+3_404+6delAAGT).
Molecular consequence: splice donor variant.
Genome position (GRCh38, 1-based): chr9:37,426,657-37,426,660, AAGT deleted; deleting any 4 consecutive bases within chr9:37,426,653-37,426,660 gives the same sequence; the c. name uses the placement nearest the transcript's 3' end. VCF-style (leftmost placement, unchanged base first): chr9-37426652-GAAGT-G. GRCh37 (hg19) VCF-style: chr9-37426649-GAAGT-G.
Other names: c.404+3_404+6del (NM_012203.1); c.404+3_404+6delAAGT (NM_012203.1, NM_012203.2); c.404+1_404+4delGTAA (NM_012203.1); c.403_404+2delAAGT (NM_012203.1).
Identifiers: ClinVar variation 204250 (VCV000204250.34), dbSNP rs180177309, ClinGen allele CA275904.